The following is an entry in ClinVar:

NM_000744.7(CHRNA4):c.1729C>T (p.His577Tyr)

Gene: CHRNA4 (cholinergic receptor nicotinic alpha 4 subunit; minus strand). Cytogenetic location: 20q13.33.
Variant type: single nucleotide variant.
Coding change: c.1729C>T on transcript NM_000744.7 (MANE Select); coding-DNA position 1729, C replaced by T.
Protein change: p.His577Tyr; replaces histidine 577 with tyrosine.
Molecular consequence: missense variant. On other transcripts: non-coding transcript variant (1).
Genome position (GRCh38, 1-based): chr20:63,349,682, G>A on the plus strand (C>T on the coding strand, the complement: CHRNA4 is on the minus strand). VCF-style: chr20-63349682-G-A. GRCh37 (hg19) VCF-style: chr20-61981034-G-A.
Other names: c.1201C>T, p.His401Tyr (NM_001256573.2); short protein forms H401Y, H577Y.
Identifiers: ClinVar variation 2070186 (VCV002070186.4), dbSNP rs2516536440, ClinGen allele CA409632215.

ClinVar aggregate classification (germline): Uncertain significance (1 of 4 stars; one submission).

Conditions:
Familial sleep-related hypermotor epilepsy. Also called: Autosomal Dominant Sleep-Related Hypermotor (Hyperkinetic) Epilepsy. Identifiers: Orphanet 98784, MedGen C3696898, MONDO:0000030.

Allele frequency attached by ClinVar (database versions not stated): gnomAD exomes below 0.00001.
gnomAD v4.1: 2 of 1,612,884 alleles (0.00012%); highest among the groups gnomAD compares: Non-Finnish European, 0.00017%; no homozygotes.

Submission:

Labcorp Genetics (formerly Invitae), Labcorp
Classification: Uncertain significance. Last evaluated: 2022-02-02. Review status: criteria provided, single submitter. Criteria: Invitae Variant Classification Sherloc (09022015). Collection method: clinical testing. Allele origin: germline.
Comment: This sequence change replaces histidine, which is basic and polar, with tyrosine, which is neutral and polar, at codon 577 of the CHRNA4 protein (p.His577Tyr). This variant is not present in population databases (gnomAD no frequency). This variant has not been reported in the literature in individuals affected with CHRNA4-related conditions. Algorithms developed to predict the effect of missense changes on protein structure and function are either unavailable or do not agree on the potential impact of this missense change (SIFT: "Tolerated"; PolyPhen-2: "Possibly Damaging"; Align-GVGD: "Class C0"). In summary, the available evidence is currently insufficient to determine the role of this variant in disease. Therefore, it has been classified as a Variant of Uncertain Significance.